The following is an entry in ClinVar:

NM_002047.4(GARS1):c.104C>T (p.Ser35Phe)

Gene: GARS1 (glycyl-tRNA synthetase 1; plus strand). Cytogenetic location: 7p14.3.
Variant type: single nucleotide variant.
Coding change: c.104C>T on transcript NM_002047.4 (MANE Select); coding-DNA position 104, C replaced by T.
Protein change: p.Ser35Phe; replaces serine 35 with phenylalanine.
Molecular consequence: missense variant. On other transcripts: 5 prime UTR variant (1).
Genome position (GRCh38, 1-based): chr7:30,595,025, C>T. VCF-style: chr7-30595025-C-T. GRCh37 (hg19) VCF-style: chr7-30634641-C-T.
Other names: c.-59C>T (NM_001316772.1); short protein forms S35F.
Identifiers: ClinVar variation 2411942 (VCV002411942.4), dbSNP rs770934994, ClinGen allele CA4205588.
Genomic context (GRCh38, chr7:30,595,025, plus strand): 5'-CTCTGCTGCTGCTGCTGCCGCCCCGGCTCTTAGCCCGACCCTCGCTCCTGCTCCGCCGGT[C>T]CCTCAGCGCGGCCTCCTGCCCCCCGATCTCCTTGCCCGCCGCCGCCTCCCGGAGCAGCAT-3'
Protein context (NP_002038.2, residues 25-45): LARPSLLLRR[Ser35Phe]LSAASCPPIS

ClinVar aggregate classification (germline): Uncertain significance. Review status: criteria provided, multiple submitters, no conflicts (2 of 4 stars). 2 submissions from 2 submitters: Uncertain significance (2). Last evaluated 2024-07-02.

Conditions:
Charcot-Marie-Tooth disease type 2. Also called: Charcot-Marie-Tooth type 2. Identifiers: Orphanet 64746, MedGen C0270914, MONDO:0018993.

Allele frequency attached by ClinVar (database versions not stated): ExAC 0.00002.
gnomAD v4.1: 8 of 1,577,344 alleles (0.00051%); highest among the groups gnomAD compares: African/African-American, 0.0067%; no homozygotes.

Submissions (2):

Labcorp Genetics (formerly Invitae), Labcorp
Classification: Uncertain significance for Charcot-Marie-Tooth disease type 2. Last evaluated: 2024-07-02. Review status: criteria provided, single submitter. Criteria: Invitae Variant Classification Sherloc (09022015). Collection method: clinical testing. Allele origin: germline.
Comment: This sequence change replaces serine, which is neutral and polar, with phenylalanine, which is neutral and non-polar, at codon 35 of the GARS protein (p.Ser35Phe). The frequency data for this variant in the population databases is considered unreliable, as metrics indicate poor data quality at this position in the gnomAD database. This variant has not been reported in the literature in individuals affected with GARS-related conditions. ClinVar contains an entry for this variant (Variation ID: 2411942). Advanced modeling of protein sequence and biophysical properties (such as structural, functional, and spatial information, amino acid conservation, physicochemical variation, residue mobility, and thermodynamic stability) performed at Invitae indicates that this missense variant is not expected to disrupt GARS protein function with a negative predictive value of 80%. In summary, the available evidence is currently insufficient to determine the role of this variant in disease. Therefore, it has been classified as a Variant of Uncertain Significance.

Ambry Genetics
Classification: Uncertain significance. Last evaluated: 2022-09-14. Review status: criteria provided, single submitter. Criteria: Ambry Variant Classification Scheme 2023. Collection method: clinical testing. Allele origin: germline.